The following is an entry in ClinVar:

NM_020297.4(ABCC9):c.1405A>G (p.Ile469Val)

Gene: ABCC9 (ATP binding cassette subfamily C member 9; minus strand). Cytogenetic location: 12p12.1.
Variant type: single nucleotide variant.
Coding change: c.1405A>G on transcript NM_020297.4 (MANE Select); coding-DNA position 1405, A replaced by G.
Protein change: p.Ile469Val; replaces isoleucine 469 with valine.
Molecular consequence: missense variant.
Genome position (GRCh38, 1-based): chr12:21,908,127, T>C on the plus strand (A>G on the coding strand, the complement: ABCC9 is on the minus strand). VCF-style: chr12-21908127-T-C. GRCh37 (hg19) VCF-style: chr12-22061061-T-C.
Other names: c.1405A>G, p.Ile469Val (NM_001377273.1, NM_005691.4); c.541A>G, p.Ile181Val (NM_001377274.1); short protein forms I181V, I469V.
Identifiers: ClinVar variation 4860918 (VCV004860918.1).

ClinVar aggregate classification (germline): Uncertain significance (1 of 4 stars; one submission).

Conditions:
Cardiovascular phenotype. Identifiers: MedGen CN230736.

gnomAD v4.1: 7 of 1,612,576 alleles (0.00043%); highest among the groups gnomAD compares: Non-Finnish European, 0.00059%; no homozygotes.

Submission:

Ambry Genetics
Classification: Uncertain significance for Cardiovascular phenotype. Last evaluated: 2026-05-14. Review status: criteria provided, single submitter. Criteria: Ambry Variant Classification Scheme 2023. Collection method: clinical testing. Allele origin: germline.
Comment: The p.I469V variant (also known as c.1405A>G), located in coding exon 9 of the ABCC9 gene, results from an A to G substitution at nucleotide position 1405. The isoleucine at codon 469 is replaced by valine, an amino acid with highly similar properties. This amino acid position is conserved. In addition, this alteration is predicted to be tolerated by in silico analysis. Based on the available evidence, the clinical significance of this variant remains unclear.